The following is an entry in ClinVar:

ClinVar aggregate classification (germline): Uncertain significance. Review status: criteria provided, multiple submitters, no conflicts (2 of 4 stars). 2 submissions from 2 submitters: Uncertain significance (2). Last evaluated 2025-10-10.

Conditions:
Exostoses, multiple, type 2 (EXT2). Also called: Hereditary Multiple Osteochondromatosis, Type II; EXOSTOSES, MULTIPLE, TYPE II. Identifiers: Orphanet 321, MedGen C1851413, MONDO:0007586, OMIM 133701.
Seizures-scoliosis-macrocephaly syndrome. Also called: Seizures, scoliosis, and macrocephaly syndrome; SEIZURES, SCOLIOSIS, AND MACROCEPHALY/MICROCEPHALY SYNDROME. Identifiers: Orphanet 466926, MedGen C4225248, MONDO:0014731, OMIM 616682.

Allele frequency attached by ClinVar (database versions not stated): gnomAD exomes below 0.00001 and 0.00001; gnomAD 0.00001; TOPMed 0.00003.
gnomAD v4.1: 17 of 1,613,928 alleles (0.0011%); highest among the groups gnomAD compares: Non-Finnish European, 0.0014%; no homozygotes.

Submissions (2):

Labcorp Genetics (formerly Invitae), Labcorp
Classification: Uncertain significance for Exostoses, multiple, type 2. Last evaluated: 2025-10-10. Review status: criteria provided, single submitter. Criteria: Invitae Variant Classification Sherloc (09022015). Collection method: clinical testing. Allele origin: germline.
Comment: This sequence change replaces valine, which is neutral and non-polar, with glutamic acid, which is acidic and polar, at codon 440 of the EXT2 protein (p.Val440Glu). This variant is present in population databases (no rsID available, gnomAD 0.0009%). This variant has not been reported in the literature in individuals affected with EXT2-related conditions. ClinVar contains an entry for this variant (Variation ID: 1402593). Invitae Evidence Modeling of protein sequence and biophysical properties (such as structural, functional, and spatial information, amino acid conservation, physicochemical variation, residue mobility, and thermodynamic stability) has been performed for this missense variant. However, the output from this modeling did not meet the statistical confidence thresholds required to predict the impact of this variant on EXT2 protein function. In summary, the available evidence is currently insufficient to determine the role of this variant in disease. Therefore, it has been classified as a Variant of Uncertain Significance.

Fulgent Genetics
Classification: Uncertain significance for Exostoses, multiple, type 2; Seizures-scoliosis-macrocephaly syndrome. Last evaluated: 2024-04-16. Review status: criteria provided, single submitter. Criteria: ACMG Guidelines, 2015. Collection method: clinical testing. Allele origin: germline.

NM_207122.2(EXT2):c.1319T>A (p.Val440Glu)

Genes: EXT2 (exostosin glycosyltransferase 2; plus strand), LOC126861201 (MED14-independent group 3 enhancer GRCh37_chr11:44218806-44220005; plus strand). Cytogenetic location: 11p11.2.
Variant type: single nucleotide variant.
Coding change: c.1319T>A on transcript NM_207122.2 (MANE Select); coding-DNA position 1319, T replaced by A.
Protein change: p.Val440Glu; replaces valine 440 with glutamic acid.
Molecular consequence: missense variant.
Genome position (GRCh38, 1-based): chr11:44,197,842, T>A. VCF-style: chr11-44197842-T-A. GRCh37 (hg19) VCF-style: chr11-44219392-T-A.
Other names: c.1418T>A, p.Val473Glu (NM_000401.3); c.1349T>A, p.Val450Glu (NM_001178083.3); c.1319T>A, p.Val440Glu (NM_001389628.1, NM_001389630.1); short protein forms V450E, V440E, V473E.
Identifiers: ClinVar variation 1402593 (VCV001402593.9), dbSNP rs1053473840, ClinGen allele CA221472920.
Genomic context (GRCh38, chr11:44,197,842, plus strand): 5'-ATTGTTACAGCTGCTTTTCTGACCCGTGTTAATCTGTCCTCTTGTAGAAGTGGGGCAGCG[T>A]GAGCAATCCACTCTTCCTCCCGCTGATCCCACCACAGTCTCAAGGGTTCACCGCCATAGT-3'
Protein context (NP_997005.1, residues 430-450): NDPPAVKWGS[Val440Glu]SNPLFLPLIP